The following is an entry in ClinVar:

ClinVar aggregate classification (germline): Conflicting classifications of pathogenicity. Review status: criteria provided, conflicting classifications (1 of 4 stars). 3 submissions from 3 submitters: Uncertain significance (1); Likely benign (1). 1 of the submissions does not count toward it. Last evaluated 2026-01-21.

Conditions:
Hereditary insensitivity to pain with anhidrosis (CIPA). Also called: hereditary sensory and autonomic neuropathy type 4; HSAN Type IV; NTRK1 Congenital Insensitivity to Pain with Anhidrosis; FAMILIAL DYSAUTONOMIA, TYPE II; INSENSITIVITY TO PAIN, CONGENITAL, WITH ANHIDROSIS; NEUROPATHY, CONGENITAL SENSORY, WITH ANHIDROSIS. Identifiers: Orphanet 642, MedGen C0020074, MONDO:0009746, OMIM 256800.
NTRK1-related disorder. Also called: NTRK1-related condition.

Allele frequency attached by ClinVar (database versions not stated): gnomAD 0.00005 and 0.00006; TOPMed 0.00008; 1000 Genomes Project 30x 0.00016; 1000 Genomes Project 0.00020.
gnomAD v4.1: 166 of 1,613,872 alleles (0.01%); highest among the groups gnomAD compares: East Asian, 0.35%; no homozygotes.

Submissions (3):

Labcorp Genetics (formerly Invitae), Labcorp
Classification: Likely benign for Hereditary insensitivity to pain with anhidrosis. Last evaluated: 2026-01-21. Review status: criteria provided, single submitter. Criteria: Invitae Variant Classification Sherloc (09022015). Collection method: clinical testing. Allele origin: germline.

Department of Pathology and Laboratory Medicine, Sinai Health System
Classification: Uncertain significance for Hereditary insensitivity to pain with anhidrosis. Last evaluated: 2021-07-30. Review status: criteria provided, single submitter. Criteria: ACMG Guidelines, 2015. Collection method: research. Allele origin: germline.

PreventionGenetics, part of Exact Sciences
Classification: Likely benign for NTRK1-related condition. Last evaluated: 2023-04-21. Review status: no assertion criteria provided. Collection method: clinical testing. Allele origin: germline. Not counted in ClinVar's aggregate classification.
Comment: This variant is classified as likely benign based on ACMG/AMP sequence variant interpretation guidelines (Richards et al. 2015 PMID: 25741868, with internal and published modifications).

NM_002529.4(NTRK1):c.1697T>C (p.Met566Thr)

Gene: NTRK1 (neurotrophic receptor tyrosine kinase 1; plus strand). Cytogenetic location: 1q23.1.
Variant type: single nucleotide variant.
Coding change: c.1697T>C on transcript NM_002529.4 (MANE Select); coding-DNA position 1697, T replaced by C.
Protein change: p.Met566Thr; replaces methionine 566 with threonine.
Molecular consequence: missense variant.
Genome position (GRCh38, 1-based): chr1:156,876,464, T>C. VCF-style: chr1-156876464-T-C. GRCh37 (hg19) VCF-style: chr1-156846256-T-C.
Other names: c.1589T>C, p.Met530Thr (NM_001007792.1); c.1679T>C, p.Met560Thr (NM_001012331.2); c.1697T>C (NM_002529.3); short protein forms M566T, M560T, M530T.
Identifiers: ClinVar variation 706659 (VCV000706659.14), dbSNP rs55892037, ClinGen allele CA1169439.
Genomic context (GRCh38, chr1:156,876,464, plus strand): 5'-TGAAGGAGGCGTCCGAGAGTGCTCGGCAGGACTTCCAGCGTGAGGCTGAGCTGCTCACCA[T>C]GCTGCAGCACCAGCACATCGTGCGCTTCTTCGGCGTCTGCACCGAGGGCCGCCCCCTGCT-3'
Protein context (NP_002520.2, residues 556-576): DFQREAELLT[Met566Thr]LQHQHIVRFF